The following is an entry in ClinVar:

NM_000090.4(COL3A1):c.3913G>T (p.Ala1305Ser)

Gene: COL3A1 (collagen type III alpha 1 chain; plus strand). Cytogenetic location: 2q32.2.
Variant type: single nucleotide variant.
Coding change: c.3913G>T on transcript NM_000090.4 (MANE Select); coding-DNA position 3913, G replaced by T.
Protein change: p.Ala1305Ser; replaces alanine 1305 with serine.
Molecular consequence: missense variant.
Genome position (GRCh38, 1-based): chr2:189,010,267, G>T. VCF-style: chr2-189010267-G-T. GRCh37 (hg19) VCF-style: chr2-189874993-G-T.
Other names: short protein forms A1305S.
Identifiers: ClinVar variation 921947 (VCV000921947.7), dbSNP rs1688691968, ClinGen allele CA349848629.
Genomic context (GRCh38, chr2:189,010,267, plus strand): 5'-TGCAAATTGGATGCTATCAAGGTATTCTGTAATATGGAAACTGGGGAAACATGCATAAGT[G>T]CCAATCCTTTGAATGTTCCACGGAAACACTGGTGGACAGATTCTAGTGCTGAGAAGAAAC-3'
Protein context (NP_000081.2, residues 1295-1315): NMETGETCIS[Ala1305Ser]NPLNVPRKHW

ClinVar aggregate classification (germline): Uncertain significance. Review status: criteria provided, multiple submitters, no conflicts (2 of 4 stars). 2 submissions from 2 submitters: Uncertain significance (2). Last evaluated 2024-03-06.

Conditions:
Ehlers-Danlos syndrome, type 4 (EDSVASC). Also called: Ehlers-Danlos Syndrome Type IV; Ehlers-Danlos syndrome vascular type; Ehlers Danlos syndrome, ecchymotic type; Ehlers Danlos syndrome, arterial type; Ehlers Danlos syndrome, Sack-Barabas type. Identifiers: Orphanet 286, MedGen C0268338, MONDO:0017314, OMIM 130050.
Familial thoracic aortic aneurysm and aortic dissection (TAAD). Also called: Thoracic aortic aneurysms and dissections. Identifiers: Orphanet 91387, MedGen C4707243, MONDO:0019625.

Allele frequency attached by ClinVar (database versions not stated): gnomAD exomes below 0.00001.
gnomAD v4.1: 1 of 1,614,164 alleles (0.000062%); highest among the groups gnomAD compares: Non-Finnish European, 0.000085%; no homozygotes.

Submissions (2):

Color Diagnostics, LLC DBA Color Health
Classification: Uncertain significance for Familial thoracic aortic aneurysm and aortic dissection. Last evaluated: 2024-03-06. Review status: criteria provided, single submitter. Criteria: ACMG Guidelines, 2015. Collection method: clinical testing. Allele origin: germline.
Comment: This missense variant replaces alanine with serine at codon 1305 of the COL3A1 protein. Computational prediction suggests that this variant may not impact protein structure and function (internally defined REVEL score threshold <= 0.5, PMID: 27666373). Splice site prediction tools suggest that this variant may not impact RNA splicing. To our knowledge, functional studies have not been performed for this variant. This variant has not been reported in individuals affected with cardiovascular disorders in the literature. This variant has not been identified in the general population by the Genome Aggregation Database (gnomAD). The available evidence is insufficient to determine the role of this variant in disease conclusively. Therefore, this variant is classified as a Variant of Uncertain Significance.

Labcorp Genetics (formerly Invitae), Labcorp
Classification: Uncertain significance for Ehlers-Danlos syndrome, type 4. Last evaluated: 2024-01-09. Review status: criteria provided, single submitter. Criteria: Invitae Variant Classification Sherloc (09022015). Collection method: clinical testing. Allele origin: germline.
Comment: This sequence change replaces alanine, which is neutral and non-polar, with serine, which is neutral and polar, at codon 1305 of the COL3A1 protein (p.Ala1305Ser). This variant is not present in population databases (gnomAD no frequency). This variant has not been reported in the literature in individuals affected with COL3A1-related conditions. ClinVar contains an entry for this variant (Variation ID: 921947). Advanced modeling of protein sequence and biophysical properties (such as structural, functional, and spatial information, amino acid conservation, physicochemical variation, residue mobility, and thermodynamic stability) performed at Invitae indicates that this missense variant is not expected to disrupt COL3A1 protein function with a negative predictive value of 95%. In summary, the available evidence is currently insufficient to determine the role of this variant in disease. Therefore, it has been classified as a Variant of Uncertain Significance.